The following is an entry in ClinVar:

NM_015046.7(SETX):c.6809A>G (p.Asn2270Ser)

Gene: SETX (senataxin; minus strand). Cytogenetic location: 9q34.13.
Variant type: single nucleotide variant.
Coding change: c.6809A>G on transcript NM_015046.7 (MANE Select); coding-DNA position 6809, A replaced by G.
Protein change: p.Asn2270Ser; replaces asparagine 2270 with serine.
Molecular consequence: missense variant.
Genome position (GRCh38, 1-based): chr9:132,278,103, T>C on the plus strand (A>G on the coding strand, the complement: SETX is on the minus strand). VCF-style: chr9-132278103-T-C. GRCh37 (hg19) VCF-style: chr9-135153490-T-C.
Other names: c.6809A>G, p.Asn2270Ser (NM_001351527.2, NM_001351528.2); short protein forms N2270S.
Identifiers: ClinVar variation 2041130 (VCV002041130.4), dbSNP rs1843271798, ClinGen allele CA375330896.
Genomic context (GRCh38, chr9:132,278,103, plus strand): 5'-AGGTCACAAACAATAAGGGGAACTCACCTATTTGTTTTTAAGTTTCTGTTATAAACATAA[T>C]TAGAAGGGAAGAGGCATATGTCTGGATGCATCCTGTACTGAACAGTGAGCTGTAGAATGG-3'
Protein context (NP_055861.3, residues 2260-2280): MHPDICLFPS[Asn2270Ser]YVYNRNLKTN

ClinVar aggregate classification (germline): Uncertain significance (1 of 4 stars; one submission).

Conditions:
Amyotrophic lateral sclerosis type 4 (ALS4). Also called: AMYOTROPHIC LATERAL SCLEROSIS 4, JUVENILE; NEURONOPATHY, DISTAL HEREDITARY MOTOR, WITH PYRAMIDAL FEATURES. Identifiers: Orphanet 357043, MedGen C1865409, MONDO:0011223, OMIM 602433.
Spinocerebellar ataxia, autosomal recessive, with axonal neuropathy 2 (SCAN2). Also called: Ataxia-ocular apraxia-2; Ataxia with Oculomotor Apraxia; ATAXIA-OCULOMOTOR APRAXIA 2; Ataxia with Oculomotor Apraxia Type 2. Identifiers: Orphanet 64753, MedGen C1853761, MONDO:0018996, OMIM 606002.

Allele frequency attached by ClinVar (database versions not stated): gnomAD 0.00001; TOPMed 0.00001.
gnomAD v4.1: 1 of 1,613,944 alleles (0.000062%); highest among the groups gnomAD compares: Non-Finnish European, 0.000085%; no homozygotes.

Submission:

Labcorp Genetics (formerly Invitae), Labcorp
Classification: Uncertain significance for Amyotrophic lateral sclerosis type 4; Spinocerebellar ataxia, autosomal recessive, with axonal neuropathy 2. Last evaluated: 2022-09-02. Review status: criteria provided, single submitter. Criteria: Invitae Variant Classification Sherloc (09022015). Collection method: clinical testing. Allele origin: germline.
Comment: In summary, the available evidence is currently insufficient to determine the role of this variant in disease. Therefore, it has been classified as a Variant of Uncertain Significance. Advanced modeling of protein sequence and biophysical properties (such as structural, functional, and spatial information, amino acid conservation, physicochemical variation, residue mobility, and thermodynamic stability) performed at Invitae indicates that this missense variant is not expected to disrupt SETX protein function. This variant has not been reported in the literature in individuals affected with SETX-related conditions. This variant is not present in population databases (gnomAD no frequency). This sequence change replaces asparagine, which is neutral and polar, with serine, which is neutral and polar, at codon 2270 of the SETX protein (p.Asn2270Ser).